The following is an entry in ClinVar:

ClinVar aggregate classification (germline): Uncertain significance (1 of 4 stars; one submission).

Allele frequency attached by ClinVar (database versions not stated): gnomAD exomes below 0.00001; TOPMed 0.00002; ExAC 0.00006.
gnomAD v4.1: 2 of 1,583,304 alleles (0.00013%); highest among the groups gnomAD compares: East Asian, 0.0046%; no homozygotes.

Submission:

Labcorp Genetics (formerly Invitae), Labcorp
Classification: Uncertain significance. Last evaluated: 2023-11-17. Review status: criteria provided, single submitter. Criteria: Invitae Variant Classification Sherloc (09022015). Collection method: clinical testing. Allele origin: germline.
Comment: This sequence change falls in intron 32 of the MYO7A gene. It does not directly change the encoded amino acid sequence of the MYO7A protein. It affects a nucleotide within the consensus splice site. This variant is present in population databases (rs764822561, gnomAD 0.01%). This variant has not been reported in the literature in individuals affected with MYO7A-related conditions. Variants that disrupt the consensus splice site are a relatively common cause of aberrant splicing (PMID: 17576681, 9536098). Algorithms developed to predict the effect of sequence changes on RNA splicing suggest that this variant is not likely to affect RNA splicing. In summary, the available evidence is currently insufficient to determine the role of this variant in disease. Therefore, it has been classified as a Variant of Uncertain Significance.

Literature cited by the submitters: PubMed 17576681; PubMed 9536098.

NM_000260.4(MYO7A):c.4324-3C>T

Gene: MYO7A (myosin VIIA; plus strand). Cytogenetic location: 11q13.5.
Variant type: single nucleotide variant.
Coding change: c.4324-3C>T on transcript NM_000260.4 (MANE Select); 3 bases into the intron before coding-DNA position 4324, C replaced by T.
Molecular consequence: intron variant.
Genome position (GRCh38, 1-based): chr11:77,197,478, C>T. VCF-style: chr11-77197478-C-T. GRCh37 (hg19) VCF-style: chr11-76908523-C-T.
Other names: c.4291-3C>T (NM_001369365.1); c.4324-3C>T (NM_001127180.2).
Identifiers: ClinVar variation 3016615 (VCV003016615.3), dbSNP rs764822561, ClinGen allele CA6198420.
Genomic context (GRCh38, chr11:77,197,478, plus strand): 5'-TGATTTTTAGAGCAAACTCACTCGTATGTTGTCTTCTGTCCCTCTGTCCCTCTCTCCTTC[C>T]AGGGGATTTATGCCCAGAGGAGAACTGATGCCCAGAAGGTCAAAGAGGATGTGGTCAGTT-3'